The following is an entry in ClinVar:

NM_000350.3(ABCA4):c.3419G>A (p.Cys1140Tyr)

Gene: ABCA4 (ATP binding cassette subfamily A member 4; minus strand). Cytogenetic location: 1p22.1.
Variant type: single nucleotide variant.
Coding change: c.3419G>A on transcript NM_000350.3 (MANE Select); coding-DNA position 3419, G replaced by A.
Protein change: p.Cys1140Tyr; replaces cysteine 1140 with tyrosine.
Molecular consequence: missense variant.
Genome position (GRCh38, 1-based): chr1:94,041,312, C>T on the plus strand (G>A on the coding strand, the complement: ABCA4 is on the minus strand). VCF-style: chr1-94041312-C-T. GRCh37 (hg19) VCF-style: chr1-94506868-C-T.
Other names: c.3197G>A, p.Cys1066Tyr (NM_001425324.1); short protein forms C1066Y, C1140Y.
Identifiers: ClinVar variation 4291729 (VCV004291729.1).

ClinVar aggregate classification (germline): Uncertain significance (1 of 4 stars; one submission).

Conditions:
ABCA4-related disorder. Also called: ABCA4-related condition; ABCA4-related disorders. Identifiers: MedGen CN239167.

Submission:

3billion
Classification: Uncertain significance for ABCA4-related disorder. Last evaluated: 2024-10-25. Review status: criteria provided, single submitter. Criteria: ACMG Guidelines, 2015. Collection method: clinical testing. Allele origin: germline. Affected: yes.
Comment: The variant is not observed in the gnomAD v4.1.0 dataset. Predicted Consequence/Location: Missense variant In silico tool predictions suggest damaging effect of the variant on gene or gene product [REVEL: 0.85 (>=0.6, sensitivity 0.68 and specificity 0.92); 3Cnet: 0.99 (>=0.6, sensitivity 0.72 and precision 0.9)]. A different missense change at the same codon (p.Cys1140Trp) has been reported to be associated with ABCA4 related disorder (ClinVar ID: VCV001073207 /PMID: 24763286 /3billion dataset). However the evidence of pathogenicity is insufficient at this time. Therefore, this variant is classified as VUS according to the recommendation of ACMG/AMP guideline.

Literature cited by the submitters: PubMed 24763286.